The following is an entry in ClinVar:

ClinVar aggregate classification (germline): Uncertain significance (1 of 4 stars; one submission).

Conditions:
Tay-Sachs disease (TSD). Also called: GM2 gangliosidosis, type 1; Hexosaminidase alpha-subunit deficiency (variant B); Sphingolipidosis, Tay-Sachs; Hexosaminidase A Deficiency; HEXA DEFICIENCY; HEXA Disorders. Identifiers: Orphanet 845, MedGen C0039373, MONDO:0010100, OMIM 272800.

Allele frequency attached by ClinVar (database versions not stated): gnomAD exomes below 0.00001; gnomAD 0.00001.

Submission:

Labcorp Genetics (formerly Invitae), Labcorp
Classification: Uncertain significance for Tay-Sachs disease. Last evaluated: 2021-08-26. Review status: criteria provided, single submitter. Criteria: Invitae Variant Classification Sherloc (09022015). Collection method: clinical testing. Allele origin: germline.
Comment: This sequence change replaces arginine with cysteine at codon 424 of the HEXA protein (p.Arg424Cys). The arginine residue is moderately conserved and there is a large physicochemical difference between arginine and cysteine. This variant is not present in population databases (ExAC no frequency). This variant has not been reported in the literature in individuals affected with HEXA-related conditions. Algorithms developed to predict the effect of missense changes on protein structure and function are either unavailable or do not agree on the potential impact of this missense change (SIFT: "Tolerated"; PolyPhen-2: "Possibly Damaging"; Align-GVGD: "Class C0"). In summary, the available evidence is currently insufficient to determine the role of this variant in disease. Therefore, it has been classified as a Variant of Uncertain Significance.

NM_000520.6(HEXA):c.1270C>T (p.Arg424Cys)

Gene: HEXA (hexosaminidase subunit alpha; minus strand). Cytogenetic location: 15q23.
Variant type: single nucleotide variant.
Coding change: c.1270C>T on transcript NM_000520.6 (MANE Select); coding-DNA position 1270, C replaced by T.
Protein change: p.Arg424Cys; replaces arginine 424 with cysteine.
Molecular consequence: missense variant.
Genome position (GRCh38, 1-based): chr15:72,346,587, G>A on the plus strand (C>T on the coding strand, the complement: HEXA is on the minus strand). VCF-style: chr15-72346587-G-A. GRCh37 (hg19) VCF-style: chr15-72638928-G-A.
Other names: c.1303C>T, p.Arg435Cys (NM_001318825.2); short protein forms R424C, R435C.
Identifiers: ClinVar variation 2168883 (VCV002168883.1), dbSNP rs1595797170, ClinGen allele CA393060692.